The following is an entry in ClinVar:

ClinVar aggregate classification (germline): Pathogenic (1 of 4 stars; one submission).

Conditions:
Niemann-Pick disease, type C1. Also called: NEUROVISCERAL STORAGE DISEASE WITH VERTICAL SUPRANUCLEAR OPHTHALMOPLEGIA; NIEMANN-PICK DISEASE WITH CHOLESTEROL ESTERIFICATION BLOCK; NIEMANN-PICK DISEASE WITHOUT SPHINGOMYELINASE DEFICIENCY; NIEMANN-PICK DISEASE, CHRONIC NEURONOPATHIC FORM; NIEMANN-PICK DISEASE, VARIANT TYPE C1. Identifiers: Orphanet 646, MedGen C3179455, MONDO:0009757, OMIM 257220.

Submission:

Myriad Genetics, Inc.
Classification: Pathogenic for Niemann-Pick disease, type C1. Last evaluated: 2026-08-29. Review status: criteria provided, single submitter. Criteria: Myriad Autosomal Dominant, Autosomal Recessive and X-Linked Classification Criteria (2023). Collection method: clinical testing. Allele origin: unknown.
Comment: NM_000271.4(NPC1):c.1318dupC(L440Pfs*6) is expected to be pathogenic in the context of Niemann-Pick disease type C1. This variant is predicted to lead to an abnormal or absent protein product due to the creation of a premature termination codon in NPC1, a gene where loss-of-function variants are known to be pathogenic. Please note: this variant was assessed in the context of healthy population screening.

NM_000271.5(NPC1):c.1318dup (p.Leu440fs)

Gene: NPC1 (NPC intracellular cholesterol transporter 1; minus strand). Cytogenetic location: 18q11.2.
Variant type: Duplication.
Coding change: c.1318dup on transcript NM_000271.5 (MANE Select); coding-DNA position 1318, one base duplicated (C; older notation c.1318dupC).
Protein change: p.Leu440fs; shifts the reading frame from leucine 440.
Molecular consequence: frameshift variant.
Genome position (GRCh38, 1-based): chr18:23,556,251, G duplicated on the plus strand (C on the coding strand, the reverse complement: NPC1 is on the minus strand). VCF-style (leftmost placement, unchanged base first): chr18-23556250-A-AG. GRCh37 (hg19) VCF-style: chr18-21136214-A-AG.
Other names: short protein forms L440fs.
Identifiers: ClinVar variation 5016304 (VCV005016304.1).
Genomic context (GRCh38, chr18:23,556,250, plus strand): 5'-CAGCAAACCACAAGGTCATCTAGAGTGACTTATTTCTTCAAACAGCAGGTTACCTGGTGC[A>AG]GTATCTGTATGTCAAGCGGAGGTCCAAAGGGTACATCAGCTCCCGAAGGGTATGGCTGGT-3'